The following is an entry in ClinVar:

ClinVar aggregate classification (germline): Likely benign (1 of 4 stars; one submission).

Conditions:
CPSF1-related disorder. Also called: CPSF1-related condition.

Submission:

PreventionGenetics, part of Exact Sciences
Classification: Likely benign for CPSF1-related condition. Last evaluated: 2025-05-20. Review status: criteria provided, single submitter. Criteria: ACMG Guidelines, 2015. Collection method: clinical testing. Allele origin: germline.
Comment: This variant is classified as likely benign based on ACMG/AMP sequence variant interpretation guidelines (Richards et al. 2015 PMID: 25741868, with internal and published modifications).

NM_013291.3(CPSF1):c.2586C>T (p.Tyr862=)

Gene: CPSF1 (cleavage and polyadenylation specific factor 1; minus strand). Cytogenetic location: 8q24.3.
Variant type: single nucleotide variant.
Coding change: c.2586C>T on transcript NM_013291.3 (MANE Select); coding-DNA position 2586, C replaced by T.
Protein change: p.Tyr862=; no amino-acid change (tyrosine 862 retained).
Molecular consequence: synonymous variant.
Genome position (GRCh38, 1-based): chr8:144,397,213, G>A on the plus strand (C>T on the coding strand, the complement: CPSF1 is on the minus strand). VCF-style: chr8-144397213-G-A. GRCh37 (hg19) VCF-style: chr8-145622428-G-A.
Identifiers: ClinVar variation 4997474 (VCV004997474.1).
Genomic context (GRCh38, chr8:144,397,213, plus strand): 5'-ACGGGCAGGGCCAGGGGGAAGATGGGAAGGGGAGGCCAGGCCAGGCGCACTCACCAGCAG[G>A]TAGGGCCTGCTCTGGCGGCTGCCCAGCGCCACCAGCAGCACCTCCTTGACGAGGGGCAGC-3'
Protein context (NP_037423.2, residues 852-872): VALGSRQSRP[Tyr862=]LLVHVDQELL